The following is an entry in ClinVar:

ClinVar aggregate classification (germline): Uncertain significance (1 of 4 stars; one submission).

Conditions:
Aicardi-Goutieres syndrome 7 (AGS7). Identifiers: Orphanet 51, MedGen C3888244, MONDO:0014367, OMIM 615846.
Singleton-Merten syndrome 1 (SGMRT1). Also called: Widened medullary cavities of bone, aortic calcification, abnormal dentition, and muscular weakness; Syndrome of widened medullary cavities of the metacarpals and phalanges, aortic calcification and abnormal dentition. Identifiers: Orphanet 85191, MedGen C4225427, MONDO:0024535, OMIM 182250.

Submission:

Labcorp Genetics (formerly Invitae), Labcorp
Classification: Uncertain significance for Aicardi-Goutieres syndrome 7; Singleton-Merten syndrome 1. Last evaluated: 2023-07-17. Review status: criteria provided, single submitter. Criteria: Invitae Variant Classification Sherloc (09022015). Collection method: clinical testing. Allele origin: germline.
Comment: This variant has not been reported in the literature in individuals affected with IFIH1-related conditions. This sequence change replaces threonine, which is neutral and polar, with arginine, which is basic and polar, at codon 488 of the IFIH1 protein (p.Thr488Arg). This variant is not present in population databases (gnomAD no frequency). Advanced modeling of protein sequence and biophysical properties (such as structural, functional, and spatial information, amino acid conservation, physicochemical variation, residue mobility, and thermodynamic stability) has been performed at Invitae for this missense variant, however the output from this modeling did not meet the statistical confidence thresholds required to predict the impact of this variant on IFIH1 protein function. In summary, the available evidence is currently insufficient to determine the role of this variant in disease. Therefore, it has been classified as a Variant of Uncertain Significance.

NM_022168.4(IFIH1):c.1463C>G (p.Thr488Arg)

Gene: IFIH1 (interferon induced with helicase C domain 1; minus strand). Cytogenetic location: 2q24.2.
Variant type: single nucleotide variant.
Coding change: c.1463C>G on transcript NM_022168.4 (MANE Select); coding-DNA position 1463, C replaced by G.
Protein change: p.Thr488Arg; replaces threonine 488 with arginine.
Molecular consequence: missense variant.
Genome position (GRCh38, 1-based): chr2:162,281,389, G>C on the plus strand (C>G on the coding strand, the complement: IFIH1 is on the minus strand). VCF-style: chr2-162281389-G-C. GRCh37 (hg19) VCF-style: chr2-163137899-G-C.
Other names: short protein forms T488R.
Identifiers: ClinVar variation 2949998 (VCV002949998.3), dbSNP rs2468964168, ClinGen allele CA349002136.
Genomic context (GRCh38, chr2:162,281,389, plus strand): 5'-TTTAAAATGTGTTCTTCAGCTTTGGCTTGCTTCGTGGCCCCTCCAACACCAGGTGAAGCT[G>C]TTAGTCCCAGTATCTGAGGAAGGGGAATCACTGGTTTGTTTTCTTTCTTGAGTCTATTGT-3'
Protein context (NP_071451.2, residues 478-498): VIPLPQILGL[Thr488Arg]ASPGVGGATK